The following is an entry in ClinVar:

ClinVar aggregate classification (germline): Uncertain significance (1 of 4 stars; one submission).

Conditions:
Hereditary spastic paraplegia 7 (SPG7). Also called: SPASTIC PARAPLEGIA 7, AUTOSOMAL RECESSIVE, WITH OR WITHOUT CEREBELLAR ATAXIA; Spastic paraplegia 7; Hereditary spastic paraplegia Paraplegin type; Autosomal recessive spastic paraplegia type 7; SPG7-related neurologic disorder. Identifiers: Orphanet 99013, MedGen C1846564, MONDO:0011803, OMIM 607259.

Submission:

Labcorp Genetics (formerly Invitae), Labcorp
Classification: Uncertain significance for Hereditary spastic paraplegia 7. Last evaluated: 2020-06-18. Review status: criteria provided, single submitter. Criteria: Invitae Variant Classification Sherloc (09022015). Collection method: clinical testing. Allele origin: germline.
Comment: This sequence change replaces asparagine with isoleucine at codon 523 of the SPG7 protein (p.Asn523Ile). The asparagine residue is highly conserved and there is a large physicochemical difference between asparagine and isoleucine. This variant is not present in population databases (ExAC no frequency). This variant has not been reported in the literature in individuals with SPG7-related conditions. Algorithms developed to predict the effect of missense changes on protein structure and function are either unavailable or do not agree on the potential impact of this missense change (SIFT: "Deleterious"; PolyPhen-2: "Probably Damaging"; Align-GVGD: "Class C0"). In summary, the available evidence is currently insufficient to determine the role of this variant in disease. Therefore, it has been classified as a Variant of Uncertain Significance.

NM_003119.4(SPG7):c.1568A>T (p.Asn523Ile)

Gene: SPG7 (SPG7 matrix AAA peptidase subunit, paraplegin; plus strand). Cytogenetic location: 16q24.3.
Variant type: single nucleotide variant.
Coding change: c.1568A>T on transcript NM_003119.4 (MANE Select); coding-DNA position 1568, A replaced by T.
Protein change: p.Asn523Ile; replaces asparagine 523 with isoleucine.
Molecular consequence: missense variant.
Genome position (GRCh38, 1-based): chr16:89,548,018, A>T. VCF-style: chr16-89548018-A-T. GRCh37 (hg19) VCF-style: chr16-89614426-A-T.
Other names: c.1568A>T, p.Asn523Ile (NM_001363850.1); short protein forms N523I.
Identifiers: ClinVar variation 1058383 (VCV001058383.9), dbSNP rs974972989, ClinGen allele CA397427493.